The following is an entry in ClinVar:

NM_006031.6(PCNT):c.3642_3840+152del

Gene: PCNT (pericentrin; plus strand). Cytogenetic location: 21q22.3.
Variant type: Deletion.
Coding change: c.3642_3840+152del on transcript NM_006031.6 (MANE Select); coding-DNA position 3642 through 152 bases into the intron after coding-DNA position 3840, 351 bases deleted.
Molecular consequence: splice donor variant.
Genome position (GRCh38, 1-based): chr21:46,389,233-46,389,583, 351 bases deleted. GRCh37 (hg19): chr21:47,809,148-47,809,498.
Other names: c.3288_3486+152del (NM_001315529.2).
Identifiers: ClinVar variation 3391003 (VCV003391003.1).

ClinVar aggregate classification (germline): Likely pathogenic (1 of 4 stars; one submission).

Conditions:
Microcephalic osteodysplastic primordial dwarfism type II (MOPD2). Also called: Microcephalic osteodysplastic primordial dwarfism with tooth abnormalities; MOPD II; OSTEODYSPLASTIC PRIMORDIAL DWARFISM, TYPE II. Identifiers: Orphanet 2637, MedGen C0432246, MONDO:0008872, OMIM 210720.

Submission:

Diagnostics Division, CENTRE FOR DNA FINGERPRINTING AND DIAGNOSTICS
Classification: Likely pathogenic for Microcephalic osteodysplastic primordial dwarfism type II. Review status: criteria provided, single submitter. Criteria: ACMG Guidelines, 2015. Collection method: research. Allele origin: germline. Inheritance: Autosomal recessive inheritance. Affected: yes. Observed: 1 homozygote.
Comment: The variant is classified as Likely Pathogenic based on its overlap with the PCNT gene, a protein-coding gene with established haploinsufficiency sensitivity. Both breakpoints are located within the coding region of PCNT, resulting in a frameshift mutation predicted to lead to nonsense-mediated decay (NMD). Transcript NM_006031 is affected, with 2.24% of the exonic region involved (199/8893), disrupting gene function. Supporting evidence includes 275 reported pathogenic null variants in PCNT, a DECIPHER HI score of 80.67%, a gnomAD o/e upper score of 0.821, and a gnomAD pLI score close to 1, all indicating intolerance to loss-of-function variants. This classification follows ACMG/ClinGen guidelines, considering the impact of the deletion on a gene with critical functional importance.